The following is an entry in ClinVar:

ClinVar aggregate classification (germline): Pathogenic/Likely pathogenic. Review status: criteria provided, multiple submitters, no conflicts (2 of 4 stars). 5 submissions from 5 submitters: Pathogenic (3); Likely pathogenic (2). Last evaluated 2024-02-28.

Conditions:
Fanconi anemia (FA). Also called: Fanconi's anemia. Identifiers: Orphanet 84, MedGen C0015625, MeSH D005199, MONDO:0019391.
Fanconi anemia complementation group A (FANCA). Also called: FANCA-Related Fanconi Anemia; Fanconi anemia, group A. Identifiers: Orphanet 84, MedGen C3469521, MONDO:0009215, OMIM 227650.

Allele frequency attached by ClinVar (database versions not stated): ExAC 0.00001; gnomAD exomes 0.00001.
gnomAD v4.1: 2 of 1,614,132 alleles (0.00012%); highest among the groups gnomAD compares: Admixed American, 0.0033%; no homozygotes.

Submissions (5):

Natera, Inc.
Classification: Pathogenic for Fanconi anemia. Last evaluated: 2024-02-28. Review status: criteria provided, single submitter. Criteria: Natera Variant Classification Schema (03/2026). Collection method: clinical testing. Allele origin: germline.
Comment: The c.1776+1G>A variant in FANCA is a canonical splice donor site variant predicted to affect pre-mRNA splicing, which may result in an abnormal transcript and altered protein product. This variant is expected to result in nonsense mediated decay, truncation, or a dysfunctional protein product. This variant is rare in the general population with a frequency below the threshold expected for the associated phenotype(s). This variant has been observed in one or more individuals affected with the associated recessive disease, as either homozygous or compound heterozygous with a second variant (PMID: 29098742). Given the available evidence, this variant is classified as Pathogenic.

Quest Diagnostics Nichols Institute San Juan Capistrano
Classification: Pathogenic. Last evaluated: 2023-08-29. Review status: criteria provided, single submitter. Criteria: Quest Diagnostics criteria. Collection method: clinical testing. Allele origin: unknown.
Comment: The FANCA c.1776+1G>A variant disrupts a canonical splice-donor site and interferes with normal FANCA mRNA splicing. This variant has been reported in the published literature in an affected family with Fanconi anemia (PMID: 29098742 (2018)). The frequency of this variant in the general population, 0.000008 (2/251462 chromosomes (Genome Aggregation Database)), is consistent with pathogenicity. Based on the available information, this variant is classified as pathogenic.

Baylor Genetics
Classification: Pathogenic for Fanconi anemia complementation group A. Last evaluated: 2023-08-19. Review status: criteria provided, single submitter. Criteria: ACMG Guidelines, 2015. Collection method: clinical testing. Allele origin: unknown.

Labcorp Genetics (formerly Invitae), Labcorp
Classification: Likely pathogenic for Fanconi anemia. Last evaluated: 2022-11-11. Review status: criteria provided, single submitter. Criteria: Invitae Variant Classification Sherloc (09022015). Collection method: clinical testing. Allele origin: germline.
Comment: ClinVar contains an entry for this variant (Variation ID: 450248). Disruption of this splice site has been observed in individual(s) with Fanconi anemia (PMID: 29098742). This variant is present in population databases (rs756140957, gnomAD 0.006%). This sequence change affects a donor splice site in intron 19 of the FANCA gene. It is expected to disrupt RNA splicing. Variants that disrupt the donor or acceptor splice site typically lead to a loss of protein function (PMID: 16199547), and loss-of-function variants in FANCA are known to be pathogenic (PMID: 19367192). Algorithms developed to predict the effect of sequence changes on RNA splicing suggest that this variant may disrupt the consensus splice site. In summary, the currently available evidence indicates that the variant is pathogenic, but additional data are needed to prove that conclusively. Therefore, this variant has been classified as Likely Pathogenic.

GeneDx
Classification: Likely pathogenic. Last evaluated: 2018-12-31. Review status: criteria provided, single submitter. Criteria: GeneDx Variant Classification (06012015). Collection method: clinical testing. Allele origin: germline. Affected: yes.
Comment: The c.1776+1G>A variant in the FANCA gene has not been reported previously as a pathogenic variant nor as a benign variant, to our knowledge. This splice site variant destroys the canonical splice donor site in intron 19. It is predicted to cause abnormal gene splicing, either leading to an abnormal message that is subject to nonsense-mediated mRNA decay, or to an abnormal protein product if the message is used for protein translation. The c.1776+1G>A variant is not observed at a significant frequency in large population cohorts (Lek et al., 2016; 1000 Genomes Consortium et al., 2015; Exome Variant Server). We interpret c.1776+1G>A as a likely pathogenic variant.

Literature cited by the submitters: PubMed 29098742 (cited by 3 submitters); PubMed 16199547 (cited by Labcorp Genetics (formerly Invitae), Labcorp); PubMed 19367192 (cited by Labcorp Genetics (formerly Invitae), Labcorp).

NM_000135.4(FANCA):c.1776+1G>A

Gene: FANCA (FA complementation group A; minus strand). Cytogenetic location: 16q24.3.
Variant type: single nucleotide variant.
Coding change: c.1776+1G>A on transcript NM_000135.4 (MANE Select); the canonical splice donor site of the intron after coding-DNA position 1776, G replaced by A.
Molecular consequence: splice donor variant.
Genome position (GRCh38, 1-based): chr16:89,778,942, C>T on the plus strand (G>A on the coding strand, the complement: FANCA is on the minus strand). VCF-style: chr16-89778942-C-T. GRCh37 (hg19) VCF-style: chr16-89845350-C-T.
Other names: c.1776+1G>A (NM_001286167.3, NM_000135.3).
Identifiers: ClinVar variation 450248 (VCV000450248.15), dbSNP rs756140957, ClinGen allele CA8252113.